The following is an entry in ClinVar:

NM_001042424.3(NSD2):c.3498C>A (p.Val1166=)

Gene: NSD2 (nuclear receptor binding SET domain protein 2; plus strand). Cytogenetic location: 4p16.3.
Variant type: single nucleotide variant.
Coding change: c.3498C>A on transcript NM_001042424.3 (MANE Select); coding-DNA position 3498, C replaced by A.
Protein change: p.Val1166=; no amino-acid change (valine 1166 retained).
Molecular consequence: synonymous variant.
Genome position (GRCh38, 1-based): chr4:1,974,988, C>A. VCF-style: chr4-1974988-C-A. GRCh37 (hg19) VCF-style: chr4-1976715-C-A.
Other names: c.3498C>A (NM_001042424.2); c.3498C>A, p.Val1166= (NM_133330.3, NM_133331.3, NM_133335.4).
Identifiers: ClinVar variation 1948271 (VCV001948271.6), dbSNP rs2474747014, ClinGen allele CA438078726.

ClinVar aggregate classification (germline): Uncertain significance. Review status: criteria provided, multiple submitters, no conflicts (2 of 4 stars). 2 submissions from 2 submitters: Uncertain significance (2). Last evaluated 2024-11-14.

Conditions:
NSD2-related disorder. Also called: NSD2-related condition; NSD2 related disorders.

Submissions (2):

PreventionGenetics, part of Exact Sciences
Classification: Uncertain significance for NSD2-related condition. Last evaluated: 2024-11-14. Review status: criteria provided, single submitter. Criteria: ACMG Guidelines, 2015. Collection method: clinical testing. Allele origin: germline.
Comment: The NSD2 c.3498C>A variant is not predicted to result in an amino acid change (p.=). This variant is predicted to alter splicing based on available splicing prediction software (SpliceAI, Jaganathan et al. 2019. PubMed ID: 30661751). However, the use of computer prediction softwares is not equivalent to functional evidence. To our knowledge, this variant has not been reported in the literature or in a large population database (gnomAD), indicating this variant is rare. At this time, the clinical significance of this variant is uncertain due to the absence of conclusive functional and genetic evidence.

Labcorp Genetics (formerly Invitae), Labcorp
Classification: Uncertain significance. Last evaluated: 2022-07-04. Review status: criteria provided, single submitter. Criteria: Invitae Variant Classification Sherloc (09022015). Collection method: clinical testing. Allele origin: germline.
Comment: This variant has not been reported in the literature in individuals affected with WHSC1-related conditions. In summary, the available evidence is currently insufficient to determine the role of this variant in disease. Therefore, it has been classified as a Variant of Uncertain Significance. Algorithms developed to predict the effect of sequence changes on RNA splicing suggest that this variant may create or strengthen a splice site. This variant is not present in population databases (gnomAD no frequency). This sequence change affects codon 1166 of the WHSC1 mRNA. It is a 'silent' change, meaning that it does not change the encoded amino acid sequence of the WHSC1 protein.